The following is an entry in ClinVar:

NM_002485.5(NBN):c.246A>G (p.Lys82=)

Gene: NBN (nibrin; minus strand). Cytogenetic location: 8q21.3.
Variant type: single nucleotide variant.
Coding change: c.246A>G on transcript NM_002485.5 (MANE Select); coding-DNA position 246, A replaced by G.
Protein change: p.Lys82=; no amino-acid change (lysine 82 retained).
Molecular consequence: synonymous variant. On other transcripts: 5 prime UTR variant (1).
Genome position (GRCh38, 1-based): chr8:89,981,449, T>C on the plus strand (A>G on the coding strand, the complement: NBN is on the minus strand). VCF-style: chr8-89981449-T-C. GRCh37 (hg19) VCF-style: chr8-90993677-T-C.
Other names: c.-1A>G (NM_001024688.3).
Identifiers: ClinVar variation 3374971 (VCV003374971.2).
Genomic context (GRCh38, chr8:89,981,449, plus strand): 5'-AAACACTCCAAAAGTAATACCATCCCCCGACTTCAAAGTTCGGGAAAAGCCATTCTGCAT[T>C]TTTTCCTCATTAACAAAGGTACCATACTTAGAATTATCTTTTAATGTCAATACAGGGATT-3'
Protein context (NP_002476.2, residues 72-92): SKYGTFVNEE[Lys82=]MQNGFSRTLK

ClinVar aggregate classification (germline): Likely benign. Review status: criteria provided, multiple submitters, no conflicts (2 of 4 stars). 2 submissions from 2 submitters: Likely benign (2). Last evaluated 2025-04-08.

Conditions:
Microcephaly, normal intelligence and immunodeficiency (NBS). Also called: Microcephaly with normal intelligence immunodeficiency and lymphoreticular malignancies; Nonsyndromal microcephaly autosomal recessive with normal intelligence; Seemanova syndrome 2; IMMUNODEFICIENCY, MICROCEPHALY, AND CHROMOSOMAL INSTABILITY; SEEMANOVA SYNDROME II; BERLIN BREAKAGE SYNDROME. Identifiers: Orphanet 647, MedGen C0398791, MONDO:0009623, OMIM 251260.

Submissions (2):

Labcorp Genetics (formerly Invitae), Labcorp
Classification: Likely benign for Microcephaly, normal intelligence and immunodeficiency. Last evaluated: 2025-04-08. Review status: criteria provided, single submitter. Criteria: Invitae Variant Classification Sherloc (09022015). Collection method: clinical testing. Allele origin: germline.

Women's Health and Genetics/Laboratory Corporation of America, LabCorp
Classification: Likely benign. Last evaluated: 2024-09-09. Review status: criteria provided, single submitter. Criteria: LabCorp Variant Classification Summary - May 2015. Collection method: clinical testing. Allele origin: germline.
Comment: Variant summary: NBN c.246A>G alters a conserved nucleotide resulting in a synonymous change. Consensus agreement among computation tools predict no significant impact on normal splicing. However, these predictions have yet to be confirmed by functional studies. The variant was absent in 251400 control chromosomes. The available data on variant occurrences in the general population are insufficient to allow any conclusion about variant significance. To our knowledge, no occurrence of c.246A>G in individuals affected with Nijmegen Breakage Syndrome and no experimental evidence demonstrating its impact on protein function have been reported. No submitters have cited clinical-significance assessments for this variant to ClinVar. Based on the evidence outlined above, the variant was classified as likely benign.